The following is an entry in ClinVar:

ClinVar aggregate classification (germline): Uncertain significance. Review status: criteria provided, multiple submitters, no conflicts (2 of 4 stars). 3 submissions from 3 submitters: Uncertain significance (2). 1 of the submissions does not count toward it. Last evaluated 2022-03-15.

Conditions:
Bardet-Biedl syndrome (BBS). Identifiers: Orphanet 110, MedGen C0752166, MONDO:0015229.
Bardet-Biedl syndrome 12 (BBS12). Identifiers: Orphanet 110, MedGen C1859570, MONDO:0014440, OMIM 615989.

Allele frequency attached by ClinVar (database versions not stated): gnomAD exomes 0.00001.
gnomAD v4.1: 6 of 1,614,162 alleles (0.00037%); highest among the groups gnomAD compares: Non-Finnish European, 0.00051%; no homozygotes.

Submissions (3):

Labcorp Genetics (formerly Invitae), Labcorp
Classification: Uncertain significance for Bardet-Biedl syndrome. Last evaluated: 2022-03-15. Review status: criteria provided, single submitter. Criteria: Invitae Variant Classification Sherloc (09022015). Collection method: clinical testing. Allele origin: germline.
Comment: This sequence change replaces serine, which is neutral and polar, with threonine, which is neutral and polar, at codon 64 of the BBS12 protein (p.Ser64Thr). This variant is present in population databases (no rsID available, gnomAD 0.002%). This variant has not been reported in the literature in individuals affected with BBS12-related conditions. ClinVar contains an entry for this variant (Variation ID: 968094). Algorithms developed to predict the effect of missense changes on protein structure and function are either unavailable or do not agree on the potential impact of this missense change (SIFT: "Tolerated"; PolyPhen-2: "Possibly Damaging"; Align-GVGD: "Class C0"). In summary, the available evidence is currently insufficient to determine the role of this variant in disease. Therefore, it has been classified as a Variant of Uncertain Significance.

Fulgent Genetics
Classification: Uncertain significance for Bardet-Biedl syndrome 12. Last evaluated: 2021-07-16. Review status: criteria provided, single submitter. Criteria: ACMG Guidelines, 2015. Collection method: clinical testing. Allele origin: unknown.

Natera, Inc.
Classification: Uncertain significance for Bardet-Biedl syndrome type 12. Last evaluated: 2020-05-16. Review status: no assertion criteria provided. Collection method: clinical testing. Allele origin: germline. Not counted in ClinVar's aggregate classification.

NM_152618.3(BBS12):c.191G>C (p.Ser64Thr)

Gene: BBS12 (Bardet-Biedl syndrome 12; plus strand). Cytogenetic location: 4q27.
Variant type: single nucleotide variant.
Coding change: c.191G>C on transcript NM_152618.3 (MANE Select); coding-DNA position 191, G replaced by C.
Protein change: p.Ser64Thr; replaces serine 64 with threonine.
Molecular consequence: missense variant.
Genome position (GRCh38, 1-based): chr4:122,742,083, G>C. VCF-style: chr4-122742083-G-C. GRCh37 (hg19) VCF-style: chr4-123663238-G-C.
Other names: c.191G>C, p.Ser64Thr (NM_001178007.2); short protein forms S64T.
Identifiers: ClinVar variation 968094 (VCV000968094.6), dbSNP rs1361081580, ClinGen allele CA358222388.
Genomic context (GRCh38, chr4:122,742,083, plus strand): 5'-GTCATGAAAGTGTATTAATCAGTTCAACAGTAAGGCTTCTTGAAAGTTTGGATTTAACCA[G>C]TGCAGTGGGACAACTTCTCAATGAAGCAGTTCAAGCACAAAACAACACATATAGAACTGG-3'
Protein context (NP_689831.2, residues 54-74): VRLLESLDLT[Ser64Thr]AVGQLLNEAV